The following is an entry in ClinVar:

ClinVar aggregate classification (germline): Uncertain significance (1 of 4 stars; one submission).

gnomAD v4.1: 10 of 1,613,894 alleles (0.00062%); highest among the groups gnomAD compares: Non-Finnish European, 0.00085%; no homozygotes.

Submission:

Labcorp Genetics (formerly Invitae), Labcorp
Classification: Uncertain significance. Last evaluated: 2025-02-16. Review status: criteria provided, single submitter. Criteria: Invitae Variant Classification Sherloc (09022015). Collection method: clinical testing. Allele origin: germline.
Comment: This sequence change replaces arginine, which is basic and polar, with serine, which is neutral and polar, at codon 880 of the C3 protein (p.Arg880Ser). This variant is present in population databases (rs760682887, gnomAD 0.0009%). This variant has not been reported in the literature in individuals affected with C3-related conditions. Invitae Evidence Modeling of protein sequence and biophysical properties (such as structural, functional, and spatial information, amino acid conservation, physicochemical variation, residue mobility, and thermodynamic stability) indicates that this missense variant is not expected to disrupt C3 protein function with a negative predictive value of 80%. In summary, the available evidence is currently insufficient to determine the role of this variant in disease. Therefore, it has been classified as a Variant of Uncertain Significance.

NM_000064.4(C3):c.2640G>T (p.Arg880Ser)

Gene: C3 (complement C3; minus strand). Cytogenetic location: 19p13.3.
Variant type: single nucleotide variant.
Coding change: c.2640G>T on transcript NM_000064.4 (MANE Select); coding-DNA position 2640, G replaced by T.
Protein change: p.Arg880Ser; replaces arginine 880 with serine.
Molecular consequence: missense variant.
Genome position (GRCh38, 1-based): chr19:6,697,500, C>A on the plus strand (G>T on the coding strand, the complement: C3 is on the minus strand). VCF-style: chr19-6697500-C-A. GRCh37 (hg19) VCF-style: chr19-6697511-C-A.
Other names: short protein forms R880S.
Identifiers: ClinVar variation 4798300 (VCV004798300.1).